The following is an entry in ClinVar:

ClinVar aggregate classification (germline): Pathogenic. Review status: criteria provided, multiple submitters, no conflicts (2 of 4 stars). 2 submissions from 2 submitters: Pathogenic (2). Last evaluated 2024-08-27.

Conditions:
Hydrocephalus, nonsyndromic, autosomal recessive 1 (HYC1). Also called: Congenital hydrocephalus 1; Hydrocephalus, nonsyndromic, autosomal recessive. Identifiers: Orphanet 2185, MedGen C3887608, MONDO:0009360, OMIM 236600.

Allele frequency attached by ClinVar (database versions not stated): TOPMed below 0.00001.

Submissions (2):

Myriad Genetics, Inc.
Classification: Pathogenic for Hydrocephalus, nonsyndromic, autosomal recessive 1. Last evaluated: 2024-08-27. Review status: criteria provided, single submitter. Criteria: Myriad Autosomal Dominant, Autosomal Recessive and X-Linked Classification Criteria (2023). Collection method: clinical testing. Allele origin: unknown.
Comment: NM_001080414.3(CCDC88C):c.4132C>T(R1378*) is expected to be pathogenic in the context of congenital hydrocephalus, CCDC88C-related. This variant is predicted to lead to an abnormal or absent protein product due to the creation of a premature termination codon in CCDC88C, a gene where loss-of-function variants are known to be pathogenic. Please note: this variant was assessed in the context of healthy population screening.

Labcorp Genetics (formerly Invitae), Labcorp
Classification: Pathogenic. Last evaluated: 2023-12-11. Review status: criteria provided, single submitter. Criteria: Invitae Variant Classification Sherloc (09022015). Collection method: clinical testing. Allele origin: germline.
Comment: This sequence change creates a premature translational stop signal (p.Arg1378*) in the CCDC88C gene. It is expected to result in an absent or disrupted protein product. Loss-of-function variants in CCDC88C are known to be pathogenic (PMID: 23042809, 29225145). The frequency data for this variant in the population databases is considered unreliable, as metrics indicate poor data quality at this position in the gnomAD database. This variant has not been reported in the literature in individuals affected with CCDC88C-related conditions. ClinVar contains an entry for this variant (Variation ID: 2053024). For these reasons, this variant has been classified as Pathogenic.

Literature cited by the submitters: PubMed 23042809 (cited by Labcorp Genetics (formerly Invitae), Labcorp); PubMed 29225145 (cited by Labcorp Genetics (formerly Invitae), Labcorp).

NM_001080414.4(CCDC88C):c.4132C>T (p.Arg1378Ter)

Gene: CCDC88C (coiled-coil and HOOK domain protein 88C; minus strand). Cytogenetic location: 14q32.11.
Variant type: single nucleotide variant.
Coding change: c.4132C>T on transcript NM_001080414.4 (MANE Select); coding-DNA position 4132, C replaced by T.
Protein change: p.Arg1378Ter; replaces arginine 1378 with a stop codon.
Molecular consequence: nonsense.
Genome position (GRCh38, 1-based): chr14:91,291,065, G>A on the plus strand (C>T on the coding strand, the complement: CCDC88C is on the minus strand). VCF-style: chr14-91291065-G-A. GRCh37 (hg19) VCF-style: chr14-91757409-G-A.
Other names: short protein forms R1378*.
Identifiers: ClinVar variation 2053024 (VCV002053024.3), dbSNP rs765256075, ClinGen allele CA390615442.
Genomic context (GRCh38, chr14:91,291,065, plus strand): 5'-GAGGATCATAGAACTTGTATTGATCCATGATTTTTTCTTCCAGCTTTTCCTTATGTCTTC[G>A]TAAGGCATTTAATTTGTCTCTGTGAATATAGGAGAAAGAAAACCTATCAATCCAGTTTTA-3'